The following is an entry in ClinVar:

NM_006280.3(SSR4):c.417+3G>A

Gene: SSR4 (signal sequence receptor subunit 4; plus strand). Cytogenetic location: Xq28.
Variant type: single nucleotide variant.
Coding change: c.417+3G>A on transcript NM_006280.3 (MANE Select); 3 bases into the intron after coding-DNA position 417, G replaced by A.
Molecular consequence: intron variant.
Genome position (GRCh38, 1-based): chrX:153,798,139, G>A. VCF-style: chrX-153798139-G-A. GRCh37 (hg19) VCF-style: chrX-153063594-G-A.
Other names: c.417+3G>A (NM_001440796.1); c.498+3G>A (NM_001440795.1); c.441+3G>A (NM_001204527.2); c.450+3G>A (NM_001204526.2).
Identifiers: ClinVar variation 3615891 (VCV003615891.2).

ClinVar aggregate classification (germline): Uncertain significance (1 of 4 stars; one submission).

gnomAD v4.1: 34 of 1,207,910 alleles (0.0028%); highest among the groups gnomAD compares: Non-Finnish European, 0.0036%; no homozygotes.

Submission:

Labcorp Genetics (formerly Invitae), Labcorp
Classification: Uncertain significance. Last evaluated: 2024-07-30. Review status: criteria provided, single submitter. Criteria: Invitae Variant Classification Sherloc (09022015). Collection method: clinical testing. Allele origin: germline.
Comment: This sequence change falls in intron 6 of the SSR4 gene. It does not directly change the encoded amino acid sequence of the SSR4 protein. It affects a nucleotide within the consensus splice site. This variant is present in population databases (rs200719052, gnomAD 0.005%). This variant has not been reported in the literature in individuals affected with SSR4-related conditions. Variants that disrupt the consensus splice site are a relatively common cause of aberrant splicing (PMID: 17576681, 9536098). Algorithms developed to predict the effect of sequence changes on RNA splicing suggest that this variant is not likely to affect RNA splicing. In summary, the available evidence is currently insufficient to determine the role of this variant in disease. Therefore, it has been classified as a Variant of Uncertain Significance.

Literature cited by the submitters: PubMed 17576681; PubMed 9536098.